The following is an entry in ClinVar:

ClinVar aggregate classification (germline): Benign/Likely benign. Review status: criteria provided, multiple submitters, no conflicts (2 of 4 stars). 6 submissions from 6 submitters: Benign (3); Likely benign (2). 1 of the submissions does not count toward it. Last evaluated 2025-11-25.

Conditions:
Cardiac arrhythmia, ankyrin-B-related. Also called: ANKYRIN-B SYNDROME. Identifiers: Orphanet 101016, Orphanet 768, MedGen C1970119, MONDO:0010958, OMIM 600919.
ANK2-related disorder. Also called: ANK2-related condition.
Long QT syndrome (LQTS). Identifiers: MedGen C0023976, MeSH D008133, MONDO:0002442. Disease mechanism: loss of function. Inheritance: Various modes of inheritance.
Cardiovascular phenotype. Identifiers: MedGen CN230736.

Allele frequency attached by ClinVar (database versions not stated): gnomAD 0.00011 and 0.00009; TOPMed 0.00012; 1000 Genomes Project 30x 0.00016; 1000 Genomes Project 0.00020; ESP Exome Variant Server 0.00038; gnomAD exomes 0.00005; ExAC 0.00007.
gnomAD v4.1: 49 of 1,613,694 alleles (0.003%); highest among the groups gnomAD compares: African/African-American, 0.041%; no homozygotes.

Submissions (6):

Labcorp Genetics (formerly Invitae), Labcorp
Classification: Likely benign for Long QT syndrome. Last evaluated: 2025-11-25. Review status: criteria provided, single submitter. Criteria: Invitae Variant Classification Sherloc (09022015). Collection method: clinical testing. Allele origin: germline.

Genome-Nilou Lab
Classification: Benign for Cardiac arrhythmia, ankyrin-B-related. Last evaluated: 2021-12-05. Review status: criteria provided, single submitter. Criteria: ACMG Guidelines, 2015. Collection method: clinical testing. Allele origin: germline. Affected: no.

Women's Health and Genetics/Laboratory Corporation of America, LabCorp
Classification: Benign. Last evaluated: 2016-12-19. Review status: criteria provided, single submitter. Criteria: LabCorp Variant Classification Summary - May 2015. Collection method: clinical testing. Allele origin: germline.
Comment: Variant summary: The ANK2 c.2127T>C (p.Asn709Asn) variant involves the alteration of a non-conserved nucleotide, resulting in a synonymous change. One in silico tool predicts a damaging outcome for this variant. 2/5 splice prediction tools predict that this variant may weaken a cryptic 5' splicing donor site, while 5/5 splice prediction tools predict no significant impact on normal splicing. ESE finder predicts that this variant may affect ESE site of SC35. However, these predictions have yet to be confirmed by functional studies. This variant was found in 8/120974 control chromosomes, predominantly observed in the African subpopulation at a frequency of 0.0007703 (8/10386). This frequency is about 77 times the estimated maximal expected allele frequency of a pathogenic ANK2 variant (0.00001), suggesting this is likely a benign polymorphism found primarily in the populations of African origin. In addition, one clinical diagnostic laboratory classified this variant as likely benign. The variant of interest has not, to our knowledge, been reported in affected individuals via publications; nor evaluated for functional impact by in vivo/vitro studies. Taken together, this variant is classified as benign.

Ambry Genetics
Classification: Likely benign for Cardiovascular phenotype. Last evaluated: 2015-12-24. Review status: criteria provided, single submitter. Criteria: Ambry Variant Classification Scheme 2023. Collection method: clinical testing. Allele origin: germline.

GeneDx
Classification: Benign. Last evaluated: 2015-03-03. Review status: criteria provided, single submitter. Criteria: GeneDx Variant Classification Process June 2021. Collection method: clinical testing. Allele origin: germline. Affected: yes.

PreventionGenetics, part of Exact Sciences
Classification: Likely benign for ANK2-related condition. Last evaluated: 2021-04-02. Review status: no assertion criteria provided. Collection method: clinical testing. Allele origin: germline. Not counted in ClinVar's aggregate classification.
Comment: This variant is classified as likely benign based on ACMG/AMP sequence variant interpretation guidelines (Richards et al. 2015 PMID: 25741868, with internal and published modifications).

NM_001148.6(ANK2):c.2127T>C (p.Asn709=)

Gene: ANK2 (ankyrin 2; plus strand). Cytogenetic location: 4q26.
Variant type: single nucleotide variant.
Coding change: c.2127T>C on transcript NM_001148.6 (MANE Select); coding-DNA position 2127, T replaced by C.
Protein change: p.Asn709=; no amino-acid change (asparagine 709 retained).
Molecular consequence: synonymous variant.
Genome position (GRCh38, 1-based): chr4:113,287,652, T>C. VCF-style: chr4-113287652-T-C. GRCh37 (hg19) VCF-style: chr4-114208808-T-C.
Other names: c.2064T>C, p.Asn688= (NM_001127493.3, NM_001354239.2, NM_001354243.2 and 10 more transcripts); c.2127T>C, p.Asn709= (NM_001354225.2, NM_001354228.2, NM_001354232.2 and 6 more transcripts); c.2172T>C, p.Asn724= (NM_001354230.2, NM_001354231.2, NM_001354237.2 and 5 more transcripts); c.2028T>C, p.Asn676= (NM_001354245.2, NM_001354268.2); c.2040T>C, p.Asn680= (NM_001354249.2, NM_001354264.2, NM_001354266.2 and 10 more transcripts); c.1965T>C, p.Asn655= (NM_001354253.2, NM_001354257.2, NM_001354270.2 and 1 more transcripts); c.1941T>C, p.Asn647= (NM_001354260.2, NM_001354271.2, NM_001386151.1); c.2085T>C, p.Asn695= (NM_001354261.2, NM_001386147.1, NM_001386160.1); and 8 more.
Identifiers: ClinVar variation 264571 (VCV000264571.18), dbSNP rs113454484, ClinGen allele CA3050457.